The following is an entry in ClinVar:

ClinVar aggregate classification (germline): Uncertain significance. Review status: criteria provided, multiple submitters, no conflicts (2 of 4 stars). 2 submissions from 2 submitters: Uncertain significance (2). Last evaluated 2025-01-06.

Allele frequency attached by ClinVar (database versions not stated): gnomAD exomes below 0.00001; TOPMed below 0.00001.
gnomAD v4.1: 4 of 1,611,156 alleles (0.00025%); highest among the groups gnomAD compares: Admixed American, 0.0017%; no homozygotes.

Submissions (2):

Labcorp Genetics (formerly Invitae), Labcorp
Classification: Uncertain significance. Last evaluated: 2025-01-06. Review status: criteria provided, single submitter. Criteria: Invitae Variant Classification Sherloc (09022015). Collection method: clinical testing. Allele origin: germline.
Comment: This sequence change replaces serine, which is neutral and polar, with glycine, which is neutral and non-polar, at codon 329 of the ZNF513 protein (p.Ser329Gly). This variant is present in population databases (no rsID available, gnomAD 0.003%). This variant has not been reported in the literature in individuals affected with ZNF513-related conditions. ClinVar contains an entry for this variant (Variation ID: 1044462). An algorithm developed to predict the effect of missense changes on protein structure and function outputs the following: PolyPhen-2: "Benign". The glycine amino acid residue is found in multiple mammalian species, which suggests that this missense change does not adversely affect protein function. In summary, the available evidence is currently insufficient to determine the role of this variant in disease. Therefore, it has been classified as a Variant of Uncertain Significance.

Blueprint Genetics
Classification: Uncertain significance. Last evaluated: 2022-01-13. Review status: criteria provided, single submitter. Criteria: ACMG Guidelines, 2015. Collection method: clinical testing. Allele origin: germline.

NM_144631.6(ZNF513):c.985A>G (p.Ser329Gly)

Gene: ZNF513 (zinc finger protein 513; minus strand). Cytogenetic location: 2p23.3.
Variant type: single nucleotide variant.
Coding change: c.985A>G on transcript NM_144631.6 (MANE Select); coding-DNA position 985, A replaced by G.
Protein change: p.Ser329Gly; replaces serine 329 with glycine.
Molecular consequence: missense variant.
Genome position (GRCh38, 1-based): chr2:27,378,186, T>C on the plus strand (A>G on the coding strand, the complement: ZNF513 is on the minus strand). VCF-style: chr2-27378186-T-C. GRCh37 (hg19) VCF-style: chr2-27601053-T-C.
Other names: c.799A>G, p.Ser267Gly (NM_001201459.2); short protein forms S267G, S329G.
Identifiers: ClinVar variation 1044462 (VCV001044462.11), dbSNP rs1359059371, ClinGen allele CA346216531.